The following is an entry in ClinVar:

NM_001134407.3(GRIN2A):c.265C>T (p.Leu89Phe)

Gene: GRIN2A (glutamate ionotropic receptor NMDA type subunit 2A; minus strand). Cytogenetic location: 16p13.2.
Variant type: single nucleotide variant.
Coding change: c.265C>T on transcript NM_001134407.3 (MANE Select); coding-DNA position 265, C replaced by T.
Protein change: p.Leu89Phe; replaces leucine 89 with phenylalanine.
Molecular consequence: missense variant.
Genome position (GRCh38, 1-based): chr16:10,180,147, G>A on the plus strand (C>T on the coding strand, the complement: GRIN2A is on the minus strand). VCF-style: chr16-10180147-G-A. GRCh37 (hg19) VCF-style: chr16-10274004-G-A.
Other names: c.265C>T, p.Leu89Phe (NM_000833.5, NM_001134408.2); short protein forms L89F.
Identifiers: ClinVar variation 5019593 (VCV005019593.2).

ClinVar aggregate classification (germline): Uncertain significance (1 of 4 stars; one submission).

Conditions:
Landau-Kleffner syndrome (FESD). Also called: EPILEPSY, FOCAL, WITH SPEECH DISORDER AND WITH OR WITHOUT MENTAL RETARDATION; APHASIA, ACQUIRED, WITH EPILEPSY. Identifiers: Orphanet 1945, Orphanet 725, Orphanet 98818, MedGen C0282512, MONDO:0009509, OMIM 245570.

Submission:

Juno Genomics, Hangzhou Juno Genomics, Inc
Classification: Uncertain significance for Landau-Kleffner syndrome. Review status: criteria provided, single submitter. Criteria: ACMG Guidelines, 2015. Collection method: clinical testing. Allele origin: germline.
Comment: Absent from controls (or at extremely low frequency if recessive) in Genome Aggregation Database.;Multiple lines of computational evidence support a deleterious effect on the gene or gene product.;Missense variant in a gene that has a low rate of benign missense variation.